The following is an entry in ClinVar:

NM_001042492.3(NF1):c.204+1G>A

Gene: NF1 (neurofibromin 1; plus strand). Cytogenetic location: 17q11.2.
Variant type: single nucleotide variant.
Coding change: c.204+1G>A on transcript NM_001042492.3 (MANE Select); the canonical splice donor site of the intron after coding-DNA position 204, G replaced by A.
Molecular consequence: splice donor variant.
Genome position (GRCh38, 1-based): chr17:31,156,127, G>A. VCF-style: chr17-31156127-G-A. GRCh37 (hg19) VCF-style: chr17-29483145-G-A.
Other names: c.204+1G>A (NM_000267.4, NM_001128147.3).
Identifiers: ClinVar variation 265442 (VCV000265442.31), dbSNP rs886039548, ClinGen allele CA10588647.
Genomic context (GRCh38, chr17:31,156,127, plus strand): 5'-TACAAGTTTTCTTTGGTTATAAGCGGCCTCACTACTATTTTAAAGAATGTTAACAATATG[G>A]TGAGTATTTGGGTTACTGTGTTTTGGGGAATTTGCTTTCTTTTCTTTTTGATTAAAAAGT-3'

ClinVar aggregate classification (germline): Pathogenic/Likely pathogenic. Review status: criteria provided, multiple submitters, no conflicts (2 of 4 stars). 13 submissions from 13 submitters: Pathogenic (12); Likely pathogenic (1). Last evaluated 2025-11-26.

Conditions:
NF1-related disorder. Also called: NF1-related condition. Identifiers: MedGen CN379171.
Hereditary cancer-predisposing syndrome. Also called: Tumor predisposition; Hereditary Cancer Syndrome; Hereditary neoplastic syndrome; Neoplastic Syndromes, Hereditary. Identifiers: Orphanet 140162, MedGen C0027672, MeSH D009386, MONDO:0015356.
Cardiovascular phenotype. Identifiers: MedGen CN230736.
Neurofibromatosis, type 1 (NF1). Also called: NEUROFIBROMATOSIS, TYPE I, SOMATIC; Peripheral type neurofibromatosis; Neurofibromatosis, type I; VON RECKLINGHAUSEN DISEASE. Identifiers: Orphanet 636, MedGen C0027831, MONDO:0018975, OMIM 162200. Disease mechanism: loss of function.

Allele frequency attached by ClinVar (database versions not stated): gnomAD exomes below 0.00001.
gnomAD v4.1: 1 of 1,613,520 alleles (0.000062%); highest among the groups gnomAD compares: Non-Finnish European, 0.000085%; no homozygotes.

Submissions (13):

Labcorp Genetics (formerly Invitae), Labcorp
Classification: Pathogenic for Neurofibromatosis, type 1. Last evaluated: 2025-11-26. Review status: criteria provided, single submitter. Criteria: Invitae Variant Classification Sherloc (09022015). Collection method: clinical testing. Allele origin: germline.
Comment: This sequence change affects a donor splice site in intron 2 of the NF1 gene. RNA analysis indicates that disruption of this splice site induces altered splicing and likely results in the loss of 35 amino acid residue(s), but is expected to preserve the integrity of the reading-frame. This variant is not present in population databases (gnomAD no frequency). Disruption of this splice site has been observed in individual(s) with neurofibromatosis type 1 (NF1) (PMID: 12807981, 18546366, 21520333, 26056819). In at least one individual the variant was observed to be de novo. Invitae Evidence Modeling of clinical and family history, age, sex, and reported ancestry of multiple individuals with this NF1 variant has been performed. This variant is expected to be pathogenic with a positive predictive value of at least 99%. This is a validated machine learning model that incorporates the clinical features of 1,785,918 individuals referred to our laboratory for NF1 testing. ClinVar contains an entry for this variant (Variation ID: 265442). Studies have shown that disruption of this splice site results in the activation of a cryptic splice site in exon 2 (internal data). This variant disrupts a region of the NF1 protein in which other variant(s) (p.Leu43Pro) have been determined to be pathogenic (PMID: 28529006, 31370276; internal data). This suggests that this is a clinically significant region of the protein, and that variants that disrupt it are likely to be disease-causing. For these reasons, this variant has been classified as Pathogenic.

NHS Central & South Genomic Laboratory Hub
Classification: Pathogenic for Neurofibromatosis type 1. Last evaluated: 2025-09-25. Review status: criteria provided, single submitter. Criteria: ACMG Guidelines, 2015. Collection method: clinical testing. Allele origin: germline. Affected: yes.

OLLIN Analises Genomicas, OLLIN
Classification: Pathogenic for Neurofibromatosis, type 1. Last evaluated: 2025-06-04. Review status: criteria provided, single submitter. Criteria: ACMG Guidelines 2015 PMID 25741868. Collection method: clinical testing. Allele origin: germline. Affected: yes. Observed: 1 variant allele.
Comment: The variant located at the canonical splicing site (splice donor) (chr17:31156127G>A), situated in intron 2 (of 58 exons), absent in gnomAD v4.1 non-UKB, is reported in ClinVar (VCV000265442.29) and in the scientific literature, and has also been identified de novo in individuals with neurofibromatosis (PMID: 10712197, 17311297, 18546366, 26056819, 19061981). This variant is predicted to disrupt the canonical splice site, resulting in a truncated protein, or mRNA degradation via NMD or exon skipping. Other pathogenic variants have been reported at this same splicing site (PMID: 10712197, 17311297, 18546366). According to the evidence currently available, this variant has been classified as pathogenic (PVS1, PS1, PS2_M, PS4, PM2_P, PP4_S).

GeneDx
Classification: Pathogenic. Last evaluated: 2025-05-23. Review status: criteria provided, single submitter. Criteria: GeneDx Variant Classification Process June 2021. Collection method: clinical testing. Allele origin: germline. Affected: yes.
Comment: Canonical splice site variant predicted to result in an in-frame loss of the adjacent exon in a gene for which loss of function is a known mechanism of disease; Not observed at significant frequency in large population cohorts (gnomAD); This variant is associated with the following publications: (PMID: 12807981, 25525159, 21354044, 18546366, 19061981, 26056819, 25541118, 29415745, 23913538, 30908848, 33877690, 33057194, 35982159)

Mayo Clinic Laboratories, Mayo Clinic
Classification: Likely pathogenic. Last evaluated: 2025-05-20. Review status: criteria provided, single submitter. Criteria: ACMG Guidelines, 2015. Collection method: clinical testing. Allele origin: germline. Observed: 2 variant alleles.
Comment: PP4, PM2_supporting, PS4_moderate, PVS1_strong

Ambry Genetics
Classification: Pathogenic for Cardiovascular phenotype; Hereditary cancer-predisposing syndrome. Last evaluated: 2025-02-13. Review status: criteria provided, single submitter. Criteria: Ambry Variant Classification Scheme 2023. Collection method: clinical testing. Allele origin: germline.
Comment: The c.204+1G>A intronic pathogenic mutation results from a G to A substitution one nucleotide after coding exon 2 of the NF1 gene. This mutation has been identified in multiple individuals with a clinical diagnosis of neurofibromatosis type 1 (Zhang J et al. Sci Rep. 2015 Jun;5:11291; Leskel&auml; HV et al. Bone. 2009 Feb;44:243-50; Ambry internal data). In addition, RNA studies have demonstrated that this alteration results in abnormal splicing in the set of samples tested (Ambry internal data). Another alteration impacting the same donor site (c.204+1G>T) has been detected in multiple individuals with neurofibromatosis type 1 and reported to result in aberrant splicing (Fahsold R et al. Am J Hum Genet, 2000 Mar;66:790-818; Wimmer K et al. Hum Mutat, 2007 Jun;28:599-612; Pros E et al. Hum Mutat, 2008 Sep;29:E173-93). c.204+1G>A is considered to be rare based on population cohorts in the Genome Aggregation Database (gnomAD). Based on the supporting evidence, this alteration is interpreted as a disease-causing mutation.

Blueprint Genetics
Classification: Pathogenic for NF1-related disorders. Last evaluated: 2023-01-18. Review status: criteria provided, single submitter. Criteria: ACMG Guidelines, 2015. Collection method: clinical testing. Allele origin: germline. Affected: yes. Observed: 2 variant alleles.

Laboratorio de Genetica e Diagnostico Molecular, Hospital Israelita Albert Einstein
Classification: Pathogenic for Neurofibromatosis, type 1. Last evaluated: 2022-08-24. Review status: criteria provided, single submitter. Criteria: ACMG Guidelines, 2015. Collection method: clinical testing. Allele origin: germline. Affected: yes. Observed: 1 variant allele.
Comment: ACMG classification criteria: PVS1 strong, PS4 moderated, PM2 moderated, PM6 moderated

Genome-Nilou Lab
Classification: Pathogenic for Neurofibromatosis, type 1. Last evaluated: 2022-03-15. Review status: criteria provided, single submitter. Criteria: ACMG Guidelines, 2015. Collection method: clinical testing. Allele origin: germline. Affected: no.

Genome Diagnostics Laboratory, The Hospital for Sick Children
Classification: Pathogenic for Neurofibromatosis, type 1. Last evaluated: 2020-10-26. Review status: criteria provided, single submitter. Criteria: ACMG Guidelines, 2015. Collection method: clinical testing. Allele origin: germline. Affected: yes.

ARUP Laboratories, Molecular Genetics and Genomics, ARUP Laboratories
Classification: Pathogenic. Last evaluated: 2019-04-19. Review status: criteria provided, single submitter. Criteria: ARUP Molecular Germline Variant Investigation Process. Collection method: clinical testing. Allele origin: germline.
Comment: The NF1 c.204+1G>A variant (rs886039548), also known as IVS2+1G>A, is reported in the literature in multiple individuals affected with neurofibromatosis type I (Ars 2003, Pros 2008, Zhang 2015). This variant is reported as pathogenic by multiple laboratories in ClinVar (Variation ID: 265442), and is absent from general population databases (Exome Variant Server, Genome Aggregation Database), indicating it is not a common polymorphism. This variant disrupts the canonical splice donor site of intron 2, which is likely to negatively impact gene function. Based on available information, this variant is considered to be pathogenic. References: Ars E et al. Recurrent mutations in the NF1 gene are common among neurofibromatosis type 1 patients. J Med Genet. 2003 40(6):e82. Pros E et al. Nature and mRNA effect of 282 different NF1 point mutations: focus on splicing alterations Hum Mutat. 2008 Sep;29(9):E173-93. Zhang J et al. Molecular Characterization of NF1 and Neurofibromatosis Type 1 Genotype-Phenotype Correlations in a Chinese Population. Sci Rep. 2015 5:11291.

Center for Human Genetics, Inc
Classification: Pathogenic for Neurofibromatosis, type 1. Last evaluated: 2016-11-01. Review status: criteria provided, single submitter. Criteria: ACMG Guidelines, 2015. Collection method: clinical testing. Allele origin: germline. Affected: yes.

Neuberg Centre For Genomic Medicine, NCGM
Classification: Pathogenic for Neurofibromatosis, type 1. Review status: criteria provided, single submitter. Criteria: ACMG Guidelines, 2015. Collection method: clinical testing. Allele origin: germline. Inheritance: Autosomal dominant inheritance. Affected: yes.
Comment: The splice site variant c.204+1G>A in NF1 gene has been reported in the literature in individuals affected with neurofibromatosis type 1 (Zhang J et.al.,2015). This variant has been reported to the ClinVar database as Pathogenic. The c.204+1G>A variant is novel (not in any individuals) in gnomAD Exomes and 1000 Genomes. The variant affects an invariant splice nucleotide and is expected to cause loss of function .Donor and acceptor splice site variants typically lead to a loss of protein function and loss-of-function variants in NF1 are known to be pathogenic (Fahsold R et.al.,2000). For these reasons, this variant has been classified as Pathogenic.

Literature cited by the submitters: PubMed 12807981 (cited by 3 submitters); PubMed 18546366 (cited by 4 submitters); PubMed 21520333 (cited by Labcorp Genetics (formerly Invitae), Labcorp); PubMed 26056819 (cited by 4 submitters); PubMed 28529006 (cited by Labcorp Genetics (formerly Invitae), Labcorp); PubMed 31370276 (cited by Labcorp Genetics (formerly Invitae), Labcorp); PubMed 10712197 (cited by OLLIN Analises Genomicas, OLLIN and Ambry Genetics); PubMed 17311297 (cited by OLLIN Analises Genomicas, OLLIN and Ambry Genetics); PubMed 19061981 (cited by 3 submitters); PubMed 33877690 (cited by Mayo Clinic Laboratories, Mayo Clinic).